The following is an entry in ClinVar:

NM_000538.4(RFXAP):c.117del (p.Ala40fs)

Genes: RFXAP (regulatory factor X associated protein; plus strand), LOC130009573 (ATAC-STARR-seq lymphoblastoid silent region 5267; plus strand). Cytogenetic location: 13q13.3.
Variant type: Deletion.
Coding change: c.117del on transcript NM_000538.4 (MANE Select); coding-DNA position 117, one base deleted (C; older notation c.117delC).
Protein change: p.Ala40fs; shifts the reading frame from alanine 40.
Molecular consequence: frameshift variant.
Genome position (GRCh38, 1-based): chr13:36,819,474, C deleted; the last of 2 consecutive C bases (chr13:36,819,473-36,819,474); deleting either gives the same sequence. VCF-style (leftmost placement, unchanged base first): chr13-36819472-GC-G. GRCh37 (hg19) VCF-style: chr13-37393609-GC-G.
Other names: short protein forms A40fs.
Identifiers: ClinVar variation 3663070 (VCV003663070.2).
Genomic context (GRCh38, chr13:36,819,472, plus strand): 5'-CCCCACCCCGCGGCCCTAGCCCCGGCTGCGGCTCCCACCTTGGCGCCAGCCTCGGTGGCG[GC>G]CGCGGCCTCTCAATTCACCCTGCTAGTGATGCAACCCTGTGCTGGGCAGGACGAGGCTGC-3'

ClinVar aggregate classification (germline): Pathogenic (1 of 4 stars; one submission).

Conditions:
MHC class II deficiency. Also called: Bare lymphocyte syndrome 2; BLS, TYPE II. Identifiers: Orphanet 572, MedGen C5447452, MONDO:0008855.

Submission:

Labcorp Genetics (formerly Invitae), Labcorp
Classification: Pathogenic for MHC class II deficiency. Last evaluated: 2024-08-20. Review status: criteria provided, single submitter. Criteria: Invitae Variant Classification Sherloc (09022015). Collection method: clinical testing. Allele origin: germline.
Comment: This sequence change creates a premature translational stop signal (p.Ala40Argfs*8) in the RFXAP gene. It is expected to result in an absent or disrupted protein product. Loss-of-function variants in RFXAP are known to be pathogenic (PMID: 9118943, 22390233). This variant is not present in population databases (gnomAD no frequency). This variant has not been reported in the literature in individuals affected with RFXAP-related conditions. For these reasons, this variant has been classified as Pathogenic.

Literature cited by the submitters: PubMed 9118943; PubMed 22390233.